The following is an entry in ClinVar:

ClinVar aggregate classification (germline): Likely benign. Review status: criteria provided, multiple submitters, no conflicts (2 of 4 stars). 2 submissions from 2 submitters: Likely benign (2). Last evaluated 2024-12-01.

gnomAD v4.1: 32 of 1,536,070 alleles (0.0021%); highest among the groups gnomAD compares: East Asian, 0.0073%; no homozygotes.

Submissions (2):

CeGaT Center for Human Genetics Tuebingen
Classification: Likely benign. Last evaluated: 2024-12-01. Review status: criteria provided, single submitter. Criteria: CeGaT Center For Human Genetics Tuebingen Variant Classification Criteria Version 2. Collection method: clinical testing. Allele origin: germline. Affected: yes. Observed: 1 variant allele.
Comment: GRK1: BP4, BP7

Blueprint Genetics
Classification: Likely benign. Last evaluated: 2021-03-17. Review status: criteria provided, single submitter. Criteria: ACMG Guidelines, 2015. Collection method: clinical testing. Allele origin: germline.

NM_002929.3(GRK1):c.1440C>T (p.Tyr480=)

Gene: GRK1 (G protein-coupled receptor kinase 1; plus strand). Cytogenetic location: 13q34.
Variant type: single nucleotide variant.
Coding change: c.1440C>T on transcript NM_002929.3 (MANE Select); coding-DNA position 1440, C replaced by T.
Protein change: p.Tyr480=; no amino-acid change (tyrosine 480 retained).
Molecular consequence: synonymous variant.
Genome position (GRCh38, 1-based): chr13:113,735,111, C>T. VCF-style: chr13-113735111-C-T. GRCh37 (hg19) VCF-style: chr13-114438084-C-T.
Identifiers: ClinVar variation 3771578 (VCV003771578.14).
Genomic context (GRCh38, chr13:113,735,111, plus strand): 5'-TTTTCTGTCTCCCACAGGGATGCTGATGCCCCCTTTCATCCCAGACTCCAAAACTGTCTA[C>T]GCAAAGGATATTCAGGACGTGGGTGCCTTTTCCACCGTCAAAGGTGTGGCCTTTGACAAA-3'
Protein context (NP_002920.1, residues 470-490): PPFIPDSKTV[Tyr480=]AKDIQDVGAF